The following is an entry in ClinVar:

NM_002691.4(POLD1):c.1231C>T (p.Gln411Ter)

Gene: POLD1 (DNA polymerase delta 1, catalytic subunit; plus strand). Cytogenetic location: 19q13.33.
Variant type: single nucleotide variant.
Coding change: c.1231C>T on transcript NM_002691.4 (MANE Select); coding-DNA position 1231, C replaced by T.
Protein change: p.Gln411Ter; replaces glutamine 411 with a stop codon.
Molecular consequence: nonsense. On other transcripts: non-coding transcript variant (1).
Genome position (GRCh38, 1-based): chr19:50,403,586, C>T. VCF-style: chr19-50403586-C-T. GRCh37 (hg19) VCF-style: chr19-50906843-C-T.
Other names: c.1231C>T, p.Gln411Ter (NM_001256849.1, NM_001308632.1); short protein forms Q411*.
Identifiers: ClinVar variation 3421979 (VCV003421979.1).

ClinVar aggregate classification (germline): Uncertain significance (1 of 4 stars; one submission).

Conditions:
Hereditary cancer-predisposing syndrome. Also called: Neoplastic Syndromes, Hereditary; Tumor predisposition; Hereditary Cancer Syndrome; Hereditary neoplastic syndrome. Identifiers: Orphanet 140162, MedGen C0027672, MeSH D009386, MONDO:0015356.

Submission:

Ambry Genetics
Classification: Uncertain significance for Hereditary cancer-predisposing syndrome. Last evaluated: 2024-11-08. Review status: criteria provided, single submitter. Criteria: Ambry Variant Classification Scheme 2023. Collection method: clinical testing. Allele origin: germline.
Comment: The p.Q411* variant (also known as c.1231C>T), located in coding exon 9 of the POLD1 gene, results from a C to T substitution at nucleotide position 1231. This changes the amino acid from a glutamine to a stop codon within coding exon 9. This alteration is expected to result in loss of function by premature protein truncation or nonsense-mediated mRNA decay. However, loss of function of POLD1 has not been established as a mechanism of disease. Based on the available evidence, the clinical significance of this alteration remains unclear.